The following is an entry in ClinVar:

NM_017866.6(TMEM70):c.734del (p.Leu245fs)

Gene: TMEM70 (transmembrane protein 70; plus strand). Cytogenetic location: 8q21.11.
Variant type: Deletion.
Coding change: c.734del on transcript NM_017866.6 (MANE Select); coding-DNA position 734, one base deleted (T; older notation c.734delT).
Protein change: p.Leu245fs; shifts the reading frame from leucine 245.
Molecular consequence: frameshift variant. On other transcripts: 3 prime UTR variant (1), non-coding transcript variant (1).
Genome position (GRCh38, 1-based): chr8:73,981,572, T deleted; the last of 4 consecutive T bases (chr8:73,981,569-73,981,572); deleting any one gives the same sequence. VCF-style (leftmost placement, unchanged base first): chr8-73981568-AT-A. GRCh37 (hg19) VCF-style: chr8-74893803-AT-A.
Other names: p.Leu245Cysfs*21; c.*424del (NM_001040613.3); short protein forms L245fs.
Identifiers: ClinVar variation 3379824 (VCV003379824.1).
Genomic context (GRCh38, chr8:73,981,568, plus strand): 5'-GTGCTCTTTCCAAACCGTGAAGACTATATCCATCTAATGGGTTATGACAAAGAAGAATTT[AT>A]TTTGTATATGGAAGAAACCAGTGAAGAGAAACGGCATAAAGATGACAAATGAGCCTATTT-3'

ClinVar aggregate classification (germline): Uncertain significance (1 of 4 stars; one submission).

Submission:

Mayo Clinic Laboratories, Mayo Clinic
Classification: Uncertain significance. Last evaluated: 2024-07-16. Review status: criteria provided, single submitter. Criteria: ACMG Guidelines, 2015. Collection method: clinical testing. Allele origin: germline. Observed: 1 variant allele.
Comment: PM2

Literature cited by the submitters: PubMed 31589614.